The following is an entry in ClinVar:

ClinVar aggregate classification (germline): Uncertain significance (1 of 4 stars; one submission).

Submission:

Labcorp Genetics (formerly Invitae), Labcorp
Classification: Uncertain significance. Last evaluated: 2025-10-13. Review status: criteria provided, single submitter. Criteria: Invitae Variant Classification Sherloc (09022015). Collection method: clinical testing. Allele origin: germline.
Comment: This sequence change replaces serine, which is neutral and polar, with glycine, which is neutral and non-polar, at codon 197 of the GUCA1B protein (p.Ser197Gly). This variant is not present in population databases (gnomAD no frequency). This variant has not been reported in the literature in individuals affected with GUCA1B-related conditions. An algorithm developed to predict the effect of missense changes on protein structure and function (PolyPhen-2) suggests that this variant is likely to be tolerated. Algorithms developed to predict the effect of sequence changes on RNA splicing suggest that this variant may create or strengthen a splice site. In summary, the available evidence is currently insufficient to determine the role of this variant in disease. Therefore, it has been classified as a Variant of Uncertain Significance.

NM_002098.6(GUCA1B):c.589A>G (p.Ser197Gly)

Gene: GUCA1B (guanylate cyclase activator 1B; minus strand). Cytogenetic location: 6p21.1.
Variant type: single nucleotide variant.
Coding change: c.589A>G on transcript NM_002098.6 (MANE Select); coding-DNA position 589, A replaced by G.
Protein change: p.Ser197Gly; replaces serine 197 with glycine.
Molecular consequence: missense variant.
Genome position (GRCh38, 1-based): chr6:42,184,829, T>C on the plus strand (A>G on the coding strand, the complement: GUCA1B is on the minus strand). VCF-style: chr6-42184829-T-C. GRCh37 (hg19) VCF-style: chr6-42152567-T-C.
Other names: short protein forms S197G.
Identifiers: ClinVar variation 4765392 (VCV004765392.1).